The following is an entry in ClinVar:

ClinVar aggregate classification (germline): Likely benign. Review status: criteria provided, multiple submitters, no conflicts (2 of 4 stars). 7 submissions from 5 submitters: Likely benign (6). 1 of the submissions does not count toward it. Last evaluated 2023-08-04.

Conditions:
Pallister-Hall syndrome (PHS). Also called: GLI3-Related Pallister-Hall Syndrome; HYPOTHALAMIC HAMARTOBLASTOMA, HYPOPITUITARISM, IMPERFORATE ANUS, AND POSTAXIAL POLYDACTYLY. Identifiers: Orphanet 672, MedGen C0265220, MONDO:0007804, OMIM 146510.
Polysyndactyly 4. Also called: Polysyndactyly uncomplicated; Preaxial polydactyly 4. Identifiers: Orphanet 93338, MedGen C1868111, MONDO:0008272, OMIM 174700.
Polydactyly, postaxial, type A1. Identifiers: MedGen C4282400, MONDO:0008266, OMIM 174200.
Greig cephalopolysyndactyly syndrome (GCPS). Also called: Greig syndrome; GLI3-Related Greig Cephalopolysyndactyly Syndrome; POLYSYNDACTYLY WITH PECULIAR SKULL SHAPE. Identifiers: Orphanet 380, MedGen C0265306, MONDO:0008287, OMIM 175700.
GLI3-related disorder. Also called: GLI3-related condition; GLI3-related disorders. Identifiers: MedGen CN239292.
Polydactyly. Also called: polydactylism. Identifiers: MedGen C0152427, MONDO:0021003, OMIM 603596, HP:0010442.

Allele frequency attached by ClinVar (database versions not stated): ExAC 0.00004; gnomAD exomes 0.00006; TOPMed 0.00006; gnomAD 0.00010 and 0.00011.
gnomAD v4.1: 75 of 1,613,468 alleles (0.0046%); highest among the groups gnomAD compares: Non-Finnish European, 0.006%; no homozygotes.

Submissions (7):

Labcorp Genetics (formerly Invitae), Labcorp
Classification: Likely benign for Pallister-Hall syndrome; Greig cephalopolysyndactyly syndrome. Last evaluated: 2023-08-04. Review status: criteria provided, single submitter. Criteria: Invitae Variant Classification Sherloc (09022015). Collection method: clinical testing. Allele origin: germline.

Fulgent Genetics
Classification: Likely benign for Pallister-Hall syndrome; Polydactyly, postaxial, type A1; Polysyndactyly 4; Greig cephalopolysyndactyly syndrome. Last evaluated: 2021-12-23. Review status: criteria provided, single submitter. Criteria: ACMG Guidelines, 2015. Collection method: clinical testing. Allele origin: unknown.

Illumina Laboratory Services, Illumina
Classification: Likely benign for Greig cephalopolysyndactyly syndrome. Last evaluated: 2018-01-13. Review status: criteria provided, single submitter. Criteria: ICSL Variant Classification Criteria 13 December 2019. Collection method: clinical testing. Allele origin: germline.
Comment: This variant was observed in the ICSL laboratory as part of a predisposition screen in an ostensibly healthy population. It had not been previously curated by ICSL or reported in the Human Gene Mutation Database (HGMD: prior to June 1st, 2018), and was therefore a candidate for classification through an automated scoring system. Utilizing variant allele frequency, disease prevalence and penetrance estimates, and inheritance mode, an automated score was calculated to assess if this variant is too frequent to cause the disease. Based on the score and internal cut-off values, a variant classified as likely benign is not then subjected to further curation. The score for this variant resulted in a classification of likely benign for this disease.

Illumina Laboratory Services, Illumina
Classification: Likely benign for Polydactyly. Last evaluated: 2018-01-13. Review status: criteria provided, single submitter. Criteria: ICSL Variant Classification Criteria 13 December 2019. Collection method: clinical testing. Allele origin: germline.
Comment: the same text as in the submission from Illumina Laboratory Services, Illumina above.

Illumina Laboratory Services, Illumina
Classification: Likely benign for Pallister-Hall syndrome. Last evaluated: 2018-01-13. Review status: criteria provided, single submitter. Criteria: ICSL Variant Classification Criteria 13 December 2019. Collection method: clinical testing. Allele origin: germline.
Comment: the same text as in the submission from Illumina Laboratory Services, Illumina above.

GeneDx
Classification: Likely benign. Last evaluated: 2017-11-30. Review status: criteria provided, single submitter. Criteria: GeneDx Variant Classification (06012015). Collection method: clinical testing. Allele origin: germline. Affected: yes.
Comment: This variant is considered likely benign or benign based on one or more of the following criteria: it is a conservative change, it occurs at a poorly conserved position in the protein, it is predicted to be benign by multiple in silico algorithms, and/or has population frequency not consistent with disease.

PreventionGenetics, part of Exact Sciences
Classification: Likely benign for GLI3-related condition. Last evaluated: 2023-09-13. Review status: no assertion criteria provided. Collection method: clinical testing. Allele origin: germline. Not counted in ClinVar's aggregate classification.
Comment: This variant is classified as likely benign based on ACMG/AMP sequence variant interpretation guidelines (Richards et al. 2015 PMID: 25741868, with internal and published modifications).

NM_000168.6(GLI3):c.411T>C (p.Ile137=)

Gene: GLI3 (GLI family zinc finger 3; minus strand). Cytogenetic location: 7p14.1.
Variant type: single nucleotide variant.
Coding change: c.411T>C on transcript NM_000168.6 (MANE Select); coding-DNA position 411, T replaced by C.
Protein change: p.Ile137=; no amino-acid change (isoleucine 137 retained).
Molecular consequence: synonymous variant.
Genome position (GRCh38, 1-based): chr7:42,076,814, A>G on the plus strand (T>C on the coding strand, the complement: GLI3 is on the minus strand). VCF-style: chr7-42076814-A-G. GRCh37 (hg19) VCF-style: chr7-42116413-A-G.
Identifiers: ClinVar variation 360257 (VCV000360257.16), dbSNP rs200203051, ClinGen allele CA4231197.